The following is an entry in ClinVar:

NM_181458.4(PAX3):c.784C>T (p.Arg262Ter)

Gene: PAX3 (paired box 3; minus strand). Cytogenetic location: 2q36.1.
Variant type: single nucleotide variant.
Coding change: c.784C>T on transcript NM_181458.4 (MANE Select); coding-DNA position 784, C replaced by T.
Protein change: p.Arg262Ter; replaces arginine 262 with a stop codon.
Molecular consequence: nonsense.
Genome position (GRCh38, 1-based): chr2:222,232,086, G>A on the plus strand (C>T on the coding strand, the complement: PAX3 is on the minus strand). VCF-style: chr2-222232086-G-A. GRCh37 (hg19) VCF-style: chr2-223096805-G-A.
Other names: c.781C>T, p.Arg261Ter (NM_001127366.3); c.784C>T, p.Arg262Ter (NM_181457.4, NM_181459.4, NM_181460.4 and 1 more transcripts); short protein forms R262*, R261*.
Identifiers: ClinVar variation 280007 (VCV000280007.13), dbSNP rs886041319, ClinGen allele CA10602851.

ClinVar aggregate classification (germline): Pathogenic. Review status: criteria provided, multiple submitters, no conflicts (2 of 4 stars). 9 submissions from 9 submitters: Pathogenic (9). Last evaluated 2026-03-17.

Conditions:
PAX3-related disorder. Also called: PAX3-related condition.
Waardenburg syndrome type 1 (WS1). Also called: Waardenburg Syndrome Type I; WAARDENBURG SYNDROME WITH DYSTOPIA CANTHORUM. Identifiers: Orphanet 894, MedGen C1847800, MONDO:0008670, OMIM 193500.

Submissions (9):

PreventionGenetics, part of Exact Sciences
Classification: Pathogenic for PAX3-related condition. Last evaluated: 2026-03-17. Review status: criteria provided, single submitter. Criteria: ACMG Guidelines, 2015. Collection method: clinical testing. Allele origin: germline.
Comment: The PAX3 c.784C>T variant is predicted to result in premature protein termination (p.Arg262*). This variant has been reported as causative for autosomal dominant Waardenburg syndrome (Wildhardt et al. 2013. PubMed ID: 23512835; Jalilian et al. 2015. PubMed ID: 26275939; Sun et al. 2016. PubMed ID: 27759048; Li et al. 2019. PubMed ID: 30936914). This variant has not been reported in a large population database (gnomAD), indicating this variant is rare. Nonsense variants in PAX3 are expected to be pathogenic. This variant is interpreted as pathogenic.

3billion
Classification: Pathogenic for Waardenburg syndrome type 1. Last evaluated: 2025-08-07. Review status: criteria provided, single submitter. Criteria: ACMG Guidelines, 2015. Collection method: clinical testing. Allele origin: germline. Affected: yes.
Comment: The variant is not observed in the gnomAD v4.1.0 dataset. Predicted Consequence/Location: Stop-gained (nonsense): predicted to result in a loss or disruption of normal protein function through nonsense-mediated decay (NMD) or protein truncation. Multiple pathogenic variants are reported downstream of the variant. The variant has been reported at least twice as pathogenic with clinical assertions and evidence for the classification (ClinVar ID: VCV000280007 /PMID: 12666593). Therefore, this variant is classified as Pathogenic according to the recommendation of ACMG/AMP guideline.

Division of Genetic & Genomic Pathology, Hong Kong Children's Hospital
Classification: Pathogenic for Waardenburg syndrome type 1. Last evaluated: 2025-02-27. Review status: criteria provided, single submitter. Criteria: ACMG Guidelines, 2015. Collection method: clinical testing. Allele origin: germline. Affected: yes.
Comment: The PAX3 c.C784T p.(Arg262Ter) nonsense variant results in a stop codon in exon 5 of 9 in the PAX3 gene. It is predicted to generate mRNA transcripts with a premature stop codon targeted by nonsense-mediated decay. Loss-of-function variants in PAX3 are known to be pathogenic (PMID: 20301703). The variant is absent in control populations (gnomAD v2.1.1 and v4.1.0). PAX3 c.C784T p.(Arg262Ter) has been reported in multiple individuals with Waardenburg Syndrome Type I (PMID: 12666593, 23512835, 23512835, 27759048, 34142234), including one case where the variant was de novo (PMID: 35982127). The variant has been reported as pathogenic in ClinVar (VCV000280007.5). For these reasons, PAX3 c.C784T p.(Arg262Ter) is classified as pathogenic.

GeneDx
Classification: Pathogenic. Last evaluated: 2025-01-23. Review status: criteria provided, single submitter. Criteria: GeneDx Variant Classification Process June 2021. Collection method: clinical testing. Allele origin: germline. Affected: yes.
Comment: Nonsense variant predicted to result in protein truncation or nonsense mediated decay in a gene for which loss of function is a known mechanism of disease; Not observed at significant frequency in large population cohorts (gnomAD); This variant is associated with the following publications: (PMID: 12666593, 25525159, 34142234, 35982127, 33057194, 35982159, 26275939, 23512835, 27759048, 30936914)

Dasa
Classification: Pathogenic. Last evaluated: 2024-09-25. Review status: criteria provided, single submitter. Criteria: DASA Assertion Criteria. Collection method: clinical testing. Allele origin: germline.
Comment: NM_181458.4(PAX3):c.784C>T (p.Arg262*) introduces a premature termination codon predicted to result in loss of normal protein function. Loss-of-function is an established mechanism of disease for this gene. This variant has been recurrently observed in individuals with related phenotype (PMID: 23512835; PMID: 27759048). Based on the available data, this variant is classified as pathogenic.

Labcorp Genetics (formerly Invitae), Labcorp
Classification: Pathogenic. Last evaluated: 2024-07-09. Review status: criteria provided, single submitter. Criteria: Invitae Variant Classification Sherloc (09022015). Collection method: clinical testing. Allele origin: germline.
Comment: This sequence change creates a premature translational stop signal (p.Arg262*) in the PAX3 gene. It is expected to result in an absent or disrupted protein product. Loss-of-function variants in PAX3 are known to be pathogenic (PMID: 20127975, 23512835). This variant is not present in population databases (gnomAD no frequency). This premature translational stop signal has been observed in individual(s) with clinical features of Waardenburg syndrome (PMID: 23512835, 27759048). ClinVar contains an entry for this variant (Variation ID: 280007). For these reasons, this variant has been classified as Pathogenic.

Blueprint Genetics
Classification: Pathogenic for PAX3-related disorders. Last evaluated: 2022-12-15. Review status: criteria provided, single submitter. Criteria: ACMG Guidelines, 2015. Collection method: clinical testing. Allele origin: germline. Affected: yes. Observed: 2 variant alleles.

Genetic Testing Center for Deafness, Department of Otolaryngology Head & Neck Surgery, Institute of Otolaryngology, Chinese PLA General Hospital
Classification: Pathogenic for Waardenburg syndrome type 1. Last evaluated: 2019-01-01. Review status: criteria provided, single submitter. Criteria: ACMG Guidelines, 2015. Collection method: clinical testing. Allele origin: inherited. Affected: yes.

Center for Human Genetics, Inc
Classification: Pathogenic for Waardenburg syndrome type 1. Last evaluated: 2016-11-01. Review status: criteria provided, single submitter. Criteria: ACMG Guidelines, 2015. Collection method: clinical testing. Allele origin: germline. Affected: yes.

Literature cited by the submitters: PubMed 12666593 (cited by 3billion and Division of Genetic & Genomic Pathology, Hong Kong Children's Hospital); PubMed 20301703 (cited by Division of Genetic & Genomic Pathology, Hong Kong Children's Hospital); PubMed 23512835 (cited by 3 submitters); PubMed 27759048 (cited by 3 submitters); PubMed 34142234 (cited by Division of Genetic & Genomic Pathology, Hong Kong Children's Hospital); PubMed 35982127 (cited by Division of Genetic & Genomic Pathology, Hong Kong Children's Hospital); PubMed 20127975 (cited by Labcorp Genetics (formerly Invitae), Labcorp).